The following is an entry in ClinVar:

ClinVar aggregate classification (germline): Uncertain significance. Review status: criteria provided, multiple submitters, no conflicts (2 of 4 stars). 2 submissions from 2 submitters: Uncertain significance (2). Last evaluated 2024-10-23.

Conditions:
Hypercholesterolemia, autosomal dominant, type B (FHCL2). Also called: APOB-Related Familial Hypercholesterolemia, Autosomal Dominant; Hyperlipoproteinemia Type IIb; Familial Hypercholesterolemia Type B; APOLIPOPROTEIN B-100, FAMILIAL DEFECTIVE; APOLIPOPROTEIN B-100, FAMILIAL LIGAND-DEFECTIVE; Familial hypercholesterolemia 2. Identifiers: MedGen C1704417, MONDO:0007751, OMIM 144010.
Familial hypobetalipoproteinemia 1. Also called: APOB-Related Familial Hypobetalipoproteinemia; Hypobetalipoproteinemia, normotriglyceridemic; Acanthocytosis with hypobetalipoproteinemia. Identifiers: MedGen C4551990, MONDO:0014252, OMIM 615558.
Cardiovascular phenotype. Identifiers: MedGen CN230736.

gnomAD v4.1: 8 of 1,612,330 alleles (0.0005%); highest among the groups gnomAD compares: Non-Finnish European, 0.00068%; no homozygotes.

Submissions (2):

Labcorp Genetics (formerly Invitae), Labcorp
Classification: Uncertain significance for Familial hypobetalipoproteinemia 1; Hypercholesterolemia, autosomal dominant, type B. Last evaluated: 2024-10-23. Review status: criteria provided, single submitter. Criteria: Invitae Variant Classification Sherloc (09022015). Collection method: clinical testing. Allele origin: germline.
Comment: This sequence change replaces valine, which is neutral and non-polar, with methionine, which is neutral and non-polar, at codon 2252 of the APOB protein (p.Val2252Met). This variant is present in population databases (no rsID available, gnomAD 0.0009%). This variant has not been reported in the literature in individuals affected with APOB-related conditions. ClinVar contains an entry for this variant (Variation ID: 630674). Invitae Evidence Modeling of protein sequence and biophysical properties (such as structural, functional, and spatial information, amino acid conservation, physicochemical variation, residue mobility, and thermodynamic stability) indicates that this missense variant is not expected to disrupt APOB protein function with a negative predictive value of 95%. In summary, the available evidence is currently insufficient to determine the role of this variant in disease. Therefore, it has been classified as a Variant of Uncertain Significance.

Ambry Genetics
Classification: Uncertain significance for Cardiovascular phenotype. Last evaluated: 2021-06-23. Review status: criteria provided, single submitter. Criteria: Ambry Variant Classification Scheme 2023. Collection method: clinical testing. Allele origin: germline.
Comment: The p.V2252M variant (also known as c.6754G>A), located in coding exon 26 of the APOB gene, results from a G to A substitution at nucleotide position 6754. The valine at codon 2252 is replaced by methionine, an amino acid with highly similar properties. This amino acid position is conserved. In addition, this alteration is predicted to be tolerated by in silico analysis. Since supporting evidence is limited at this time, the clinical significance of this alteration remains unclear.

NM_000384.3(APOB):c.6754G>A (p.Val2252Met)

Gene: APOB (apolipoprotein B; minus strand). Cytogenetic location: 2p24.1.
Variant type: single nucleotide variant.
Coding change: c.6754G>A on transcript NM_000384.3 (MANE Select); coding-DNA position 6754, G replaced by A.
Protein change: p.Val2252Met; replaces valine 2252 with methionine.
Molecular consequence: missense variant.
Genome position (GRCh38, 1-based): chr2:21,010,114, C>T on the plus strand (G>A on the coding strand, the complement: APOB is on the minus strand). VCF-style: chr2-21010114-C-T. GRCh37 (hg19) VCF-style: chr2-21232986-C-T.
Other names: short protein forms V2252M.
Identifiers: ClinVar variation 630674 (VCV000630674.14), dbSNP rs758442604, ClinGen allele CA43504995.
Genomic context (GRCh38, chr2:21,010,114, plus strand): 5'-GTCTCTTAAGCTGCTGCAGTTTTTCTTGTATCTGGATTCTGATTTGGTACTTAGTATCCA[C>T]ATTTTGAATCCAGGATGCAGTACTACTTCCACTTTTGTTAAAATCAATATTTTCAATAAA-3'
Protein context (NP_000375.3, residues 2242-2262): GSSTASWIQN[Val2252Met]DTKYQIRIQI